The following is an entry in ClinVar:

NC_000023.11:g.(?_31657980)_(31729758_?)dup

Gene: DMD (dystrophin; minus strand). Cytogenetic location: Xp21.1.
Variant type: Duplication.
Identifiers: ClinVar variation 832676 (VCV000832676.5).

ClinVar aggregate classification (germline): Likely pathogenic (1 of 4 stars; one submission).

Conditions:
Duchenne muscular dystrophy (DMD). Also called: Duchenne Muscular Dystrophy (DMD); MUSCULAR DYSTROPHY, PSEUDOHYPERTROPHIC PROGRESSIVE, DUCHENNE TYPE. Identifiers: Orphanet 98896, MedGen C0013264, MONDO:0010679, OMIM 310200.

Submission:

Labcorp Genetics (formerly Invitae), Labcorp
Classification: Likely pathogenic for Duchenne muscular dystrophy. Last evaluated: 2019-01-29. Review status: criteria provided, single submitter. Criteria: Invitae Variant Classification Sherloc (09022015). Collection method: clinical testing. Allele origin: germline.
Comment: In summary, the currently available evidence indicates that the variant is pathogenic, but additional data are needed to prove that conclusively. Therefore, this variant has been classified as Likely Pathogenic. Loss-of-function variants in DMD are known to be pathogenic (PMID: 16770791, 25007885). This variant has not been reported in the literature in individuals with DMD-related disease. This variant results in a copy number gain of the genomic region encompassing exons 52-54 of the DMD gene. While the exact position of this variant cannot be determined from this data, sub-genic copy number gains are generally in tandem (PMID: 25640679) and may result in an absent or disrupted protein product.

Literature cited by the submitters: PubMed 16770791; PubMed 25007885; PubMed 25640679.